The following is an entry in ClinVar:

ClinVar aggregate classification (germline): Likely pathogenic (1 of 4 stars; one submission).

Submission:

CeGaT Center for Human Genetics Tuebingen
Classification: Likely pathogenic. Last evaluated: 2022-08-01. Review status: criteria provided, single submitter. Criteria: CeGaT Center For Human Genetics Tuebingen Variant Classification Criteria Version 2. Collection method: clinical testing. Allele origin: germline. Affected: yes. Observed: 1 variant allele.
Comment: MTTP: PVS1:Strong, PM2

NM_001386140.1(MTTP):c.13dup (p.Ala5fs)

Gene: MTTP (microsomal triglyceride transfer protein; plus strand). Cytogenetic location: 4q23.
Variant type: Duplication.
Coding change: c.13dup on transcript NM_001386140.1 (MANE Select); coding-DNA position 13, one base duplicated (G; older notation c.13dupG).
Protein change: p.Ala5fs; shifts the reading frame from alanine 5.
Molecular consequence: frameshift variant. On other transcripts: intron variant (1).
Genome position (GRCh38, 1-based): chr4:99,574,922, G duplicated. VCF-style (leftmost placement, unchanged base first): chr4-99574921-T-TG. GRCh37 (hg19) VCF-style: chr4-100496078-T-TG.
Other names: c.13dup, p.Ala5fs (NM_000253.4); c.-188-6983dup (NM_001300785.2); short protein forms A5fs.
Identifiers: ClinVar variation 1711595 (VCV001711595.30), dbSNP rs2476074124, ClinGen allele CA2580071886.
Genomic context (GRCh38, chr4:99,574,921, plus strand): 5'-CAGTGACTCCTAGCTGGGCACTGGATGCAGTTGAGGATTGCTGGTCAATATGATTCTTCT[T>TG]GCTGTGCTTTTTCTCTGCTTCATTTCCTCATATTCAGCTTCTGTTAAAGGTAAGTTTGTG-3'